The following is an entry in ClinVar:

NM_001211.6(BUB1B):c.2515A>G (p.Ile839Val)

Gene: BUB1B (BUB1 mitotic checkpoint serine/threonine kinase B; plus strand). Cytogenetic location: 15q15.1.
Variant type: single nucleotide variant.
Coding change: c.2515A>G on transcript NM_001211.6 (MANE Select); coding-DNA position 2515, A replaced by G.
Protein change: p.Ile839Val; replaces isoleucine 839 with valine.
Molecular consequence: missense variant.
Genome position (GRCh38, 1-based): chr15:40,212,628, A>G. VCF-style: chr15-40212628-A-G. GRCh37 (hg19) VCF-style: chr15-40504829-A-G.
Other names: short protein forms I839V.
Identifiers: ClinVar variation 2585913 (VCV002585913.3), dbSNP rs1468223993, ClinGen allele CA391695521.

ClinVar aggregate classification (germline): Uncertain significance. Review status: criteria provided, multiple submitters, no conflicts (2 of 4 stars). 2 submissions from 2 submitters: Uncertain significance (2). Last evaluated 2024-10-02.

Conditions:
Inborn genetic diseases. Identifiers: MedGen C0950123, MeSH D030342.
Mosaic variegated aneuploidy syndrome 1 (MVA1). Also called: Warburton-Anyane-Yeboa syndrome. Identifiers: Orphanet 1052, MedGen C1850343, MONDO:0009759, OMIM 257300.

Allele frequency attached by ClinVar (database versions not stated): gnomAD exomes below 0.00001; TOPMed below 0.00001; gnomAD 0.00001.
gnomAD v4.1: 3 of 1,613,482 alleles (0.00019%); highest among the groups gnomAD compares: Non-Finnish European, 0.00025%; no homozygotes.

Submissions (2):

Molecular Pathology, Peter Maccallum Cancer Centre
Classification: Uncertain significance for Mosaic variegated aneuploidy syndrome 1. Last evaluated: 2024-10-02. Review status: criteria provided, single submitter. Criteria: ACMG Guidelines, 2015. Collection method: clinical testing. Allele origin: germline. Inheritance: Autosomal recessive inheritance.

Ambry Genetics
Classification: Uncertain significance for Inborn genetic diseases. Last evaluated: 2023-07-08. Review status: criteria provided, single submitter. Criteria: Ambry Variant Classification Scheme 2023. Collection method: clinical testing. Allele origin: germline.
Comment: The p.I839V variant (also known as c.2515A>G), located in coding exon 19 of the BUB1B gene, results from an A to G substitution at nucleotide position 2515. The isoleucine at codon 839 is replaced by valine, an amino acid with highly similar properties. This amino acid position is conserved. In addition, this alteration is predicted to be tolerated by in silico analysis. Since supporting evidence is limited at this time, the clinical significance of this alteration remains unclear.